The following is an entry in ClinVar:

NM_032043.3(BRIP1):c.2494T>C (p.Cys832Arg)

Gene: BRIP1 (BRCA1 interacting DNA helicase 1; minus strand). Cytogenetic location: 17q23.2.
Variant type: single nucleotide variant.
Coding change: c.2494T>C on transcript NM_032043.3 (MANE Select); coding-DNA position 2494, T replaced by C.
Protein change: p.Cys832Arg; replaces cysteine 832 with arginine.
Molecular consequence: missense variant.
Genome position (GRCh38, 1-based): chr17:61,693,511, A>G on the plus strand (T>C on the coding strand, the complement: BRIP1 is on the minus strand). VCF-style: chr17-61693511-A-G. GRCh37 (hg19) VCF-style: chr17-59770872-A-G.
Other names: short protein forms C832R.
Identifiers: ClinVar variation 945582 (VCV000945582.9), dbSNP rs768222842, ClinGen allele CA8690494.
Genomic context (GRCh38, chr17:61,693,511, plus strand): 5'-TATTCCTAAAGCGATCATCCACTAGAATAAGAGCTCCCCAATCATTTCTGTGTCTAATAC[A>G]TCTAGAAAAAATAGGGAAAAAGTCAAATAATTATAACATCGGAAATAAATCCAGTTTTCC-3'
Protein context (NP_114432.2, residues 822-842): YRALNQALGR[Cys832Arg]IRHRNDWGAL

ClinVar aggregate classification (germline): Uncertain significance. Review status: criteria provided, multiple submitters, no conflicts (2 of 4 stars). 2 submissions from 2 submitters: Uncertain significance (2). Last evaluated 2026-01-27.

Conditions:
Familial cancer of breast. Also called: BREAST CANCER, FAMILIAL; Hereditary breast cancer; hereditary breast carcinoma. Identifiers: Orphanet 227535, MedGen C0346153, MONDO:0016419, OMIM 114480. Disease mechanism: loss of function.
Fanconi anemia complementation group J. Also called: BRIP1-Related Fanconi Anemia. Identifiers: Orphanet 84, MedGen C1836860, MONDO:0012187, OMIM 609054.
Hereditary cancer-predisposing syndrome. Also called: Neoplastic Syndromes, Hereditary; Hereditary neoplastic syndrome; Hereditary Cancer Syndrome; Tumor predisposition. Identifiers: Orphanet 140162, MedGen C0027672, MeSH D009386, MONDO:0015356.

Allele frequency attached by ClinVar (database versions not stated): gnomAD exomes below 0.00001; ExAC 0.00002.
gnomAD v4.1: 1 of 1,609,932 alleles (0.000062%); highest among the groups gnomAD compares: Admixed American, 0.0017%; no homozygotes.

Submissions (2):

Labcorp Genetics (formerly Invitae), Labcorp
Classification: Uncertain significance for Familial cancer of breast; Fanconi anemia complementation group J. Last evaluated: 2026-01-27. Review status: criteria provided, single submitter. Criteria: Invitae Variant Classification Sherloc (09022015). Collection method: clinical testing. Allele origin: germline.
Comment: This sequence change replaces cysteine, which is neutral and slightly polar, with arginine, which is basic and polar, at codon 832 of the BRIP1 protein (p.Cys832Arg). This variant is present in population databases (rs768222842, gnomAD 0.003%). This variant has not been reported in the literature in individuals affected with BRIP1-related conditions. ClinVar contains an entry for this variant (Variation ID: 945582). Invitae Evidence Modeling of protein sequence and biophysical properties (such as structural, functional, and spatial information, amino acid conservation, physicochemical variation, residue mobility, and thermodynamic stability) indicates that this missense variant is expected to disrupt BRIP1 protein function with a positive predictive value of 95%. In summary, the available evidence is currently insufficient to determine the role of this variant in disease. Therefore, it has been classified as a Variant of Uncertain Significance.

Ambry Genetics
Classification: Uncertain significance for Hereditary cancer-predisposing syndrome. Last evaluated: 2025-10-23. Review status: criteria provided, single submitter. Criteria: Ambry Variant Classification Scheme 2023. Collection method: clinical testing. Allele origin: germline.
Comment: The p.C832R variant (also known as c.2494T>C), located in coding exon 17 of the BRIP1 gene, results from a T to C substitution at nucleotide position 2494. The cysteine at codon 832 is replaced by arginine, an amino acid with highly dissimilar properties. This amino acid position is highly conserved in available vertebrate species. In addition, this alteration is predicted to be deleterious by in silico analysis. Based on the available evidence, the clinical significance of this variant remains unclear.